The following is an entry in ClinVar:

NM_001145809.2(MYH14):c.3280A>G (p.Ile1094Val)

Gene: MYH14 (myosin heavy chain 14; plus strand). Cytogenetic location: 19q13.33.
Variant type: single nucleotide variant.
Coding change: c.3280A>G on transcript NM_001145809.2 (MANE Select); coding-DNA position 3280, A replaced by G.
Protein change: p.Ile1094Val; replaces isoleucine 1094 with valine.
Molecular consequence: missense variant.
Genome position (GRCh38, 1-based): chr19:50,271,957, A>G. VCF-style: chr19-50271957-A-G. GRCh37 (hg19) VCF-style: chr19-50775214-A-G.
Other names: c.3181A>G, p.Ile1061Val (NM_001077186.2); c.3157A>G, p.Ile1053Val (NM_024729.4); short protein forms I1094V, I1053V, I1061V.
Identifiers: ClinVar variation 2828879 (VCV002828879.3), dbSNP rs969722520, ClinGen allele CA309567523.

ClinVar aggregate classification (germline): Uncertain significance (1 of 4 stars; one submission).

Allele frequency attached by ClinVar (database versions not stated): gnomAD exomes 0.00001.
gnomAD v4.1: 9 of 1,610,036 alleles (0.00056%); highest among the groups gnomAD compares: South Asian, 0.0011%; no homozygotes.

Submission:

Labcorp Genetics (formerly Invitae), Labcorp
Classification: Uncertain significance. Last evaluated: 2023-03-19. Review status: criteria provided, single submitter. Criteria: Invitae Variant Classification Sherloc (09022015). Collection method: clinical testing. Allele origin: germline.
Comment: This sequence change replaces isoleucine, which is neutral and non-polar, with valine, which is neutral and non-polar, at codon 1053 of the MYH14 protein (p.Ile1053Val). This variant is present in population databases (no rsID available, gnomAD 0.0009%). This variant has not been reported in the literature in individuals affected with MYH14-related conditions. Advanced modeling of protein sequence and biophysical properties (such as structural, functional, and spatial information, amino acid conservation, physicochemical variation, residue mobility, and thermodynamic stability) performed at Invitae indicates that this missense variant is not expected to disrupt MYH14 protein function. In summary, the available evidence is currently insufficient to determine the role of this variant in disease. Therefore, it has been classified as a Variant of Uncertain Significance.